The following is an entry in ClinVar:

ClinVar aggregate classification (germline): Likely benign. Review status: criteria provided, single submitter (1 of 4 stars). 2 submissions from 2 submitters: Likely benign (1). 1 of the submissions does not count toward it. Last evaluated 2024-06-16.

Conditions:
Inborn genetic diseases. Identifiers: MedGen C0950123, MeSH D030342.
SEC63-related disorder. Also called: SEC63-related condition.

gnomAD v4.1: 86 of 1,611,446 alleles (0.0053%); highest among the groups gnomAD compares: Middle Eastern, 0.016%; no homozygotes.

Submissions (2):

Ambry Genetics
Classification: Likely benign for Inborn genetic diseases. Last evaluated: 2024-06-16. Review status: criteria provided, single submitter. Criteria: Ambry Variant Classification Scheme 2023. Collection method: clinical testing. Allele origin: germline.

PreventionGenetics, part of Exact Sciences
Classification: Uncertain significance for SEC63-related condition. Last evaluated: 2024-09-10. Review status: no assertion criteria provided. Collection method: clinical testing. Allele origin: germline. Not counted in ClinVar's aggregate classification.
Comment: The SEC63 c.1715A>G variant is predicted to result in the amino acid substitution p.Lys572Arg. To our knowledge, this variant has not been reported in the literature. This variant is reported in 0.0035% of alleles in individuals of European (Non-Finnish) descent in gnomAD. At this time, the clinical significance of this variant is uncertain due to the absence of conclusive functional and genetic evidence.

NM_007214.5(SEC63):c.1715A>G (p.Lys572Arg)

Gene: SEC63 (SEC63 homolog, protein translocation regulator; minus strand). Cytogenetic location: 6q21.
Variant type: single nucleotide variant.
Coding change: c.1715A>G on transcript NM_007214.5 (MANE Select); coding-DNA position 1715, A replaced by G.
Protein change: p.Lys572Arg; replaces lysine 572 with arginine.
Molecular consequence: missense variant.
Genome position (GRCh38, 1-based): chr6:107,883,106, T>C on the plus strand (A>G on the coding strand, the complement: SEC63 is on the minus strand). VCF-style: chr6-107883106-T-C. GRCh37 (hg19) VCF-style: chr6-108204310-T-C.
Other names: short protein forms K572R.
Identifiers: ClinVar variation 3317172 (VCV003317172.2).
Genomic context (GRCh38, chr6:107,883,106, plus strand): 5'-CCATCATCTTTCTCACTTTGGGAATCTCTATTGGTTTCTTCTTCTTCAGAATCACTGCCC[T>C]TATCTGAAACTTCTTCTTCATCTTCCTTTACTGCAGCTTCCTAAAAGGGAAAGGCAAACA-3'
Protein context (NP_009145.1, residues 562-582): VKEDEEEVSD[Lys572Arg]GSDSEEEETN